The following is an entry in ClinVar:

ClinVar aggregate classification (germline): Benign/Likely benign. Review status: criteria provided, multiple submitters, no conflicts (2 of 4 stars). 6 submissions from 6 submitters: Benign (1); Likely benign (5). Last evaluated 2025-03-24.

Conditions:
Hereditary cancer-predisposing syndrome. Also called: Tumor predisposition; Hereditary Cancer Syndrome; Hereditary neoplastic syndrome; Neoplastic Syndromes, Hereditary. Identifiers: Orphanet 140162, MedGen C0027672, MeSH D009386, MONDO:0015356.
Peutz-Jeghers syndrome (PJS). Also called: POLYPOSIS, HAMARTOMATOUS INTESTINAL; POLYPS-AND-SPOTS SYNDROME; Peutz-Jeghers polyposis; Periorificial lentiginosis syndrome. Identifiers: Orphanet 2869, MedGen C0031269, MeSH D010580, MONDO:0008280, OMIM 175200.

Allele frequency attached by ClinVar (database versions not stated): TOPMed below 0.00001; gnomAD exomes 0.00004.

Submissions (6):

Myriad Genetics, Inc.
Classification: Benign for Peutz-Jeghers syndrome. Last evaluated: 2025-03-24. Review status: criteria provided, single submitter. Criteria: Myriad Autosomal Dominant, Autosomal Recessive and X-Linked Classification Criteria (2023). Collection method: clinical testing. Allele origin: unknown.
Comment: This variant is considered benign. This variant is a silent/synonymous amino acid change and it is not expected to impact splicing.

Labcorp Genetics (formerly Invitae), Labcorp
Classification: Likely benign for Peutz-Jeghers syndrome. Last evaluated: 2024-11-26. Review status: criteria provided, single submitter. Criteria: Invitae Variant Classification Sherloc (09022015). Collection method: clinical testing. Allele origin: germline.

All of Us Research Program, National Institutes of Health
Classification: Likely benign for Peutz-Jeghers syndrome. Last evaluated: 2023-02-24. Review status: criteria provided, single submitter. Criteria: ACMG Guidelines, 2015. Collection method: clinical testing. Allele origin: germline. Inheritance: Autosomal dominant inheritance. Observed: 1 variant allele, 1 heterozygote.
Comment: This study involves interpretation of variants in research participants for the purpose of population health screening. Participant phenotype was not available at the time of variant classification. Additional details can be found in publication PMID: 35346344, PMCID: PMC8962531

Women's Health and Genetics/Laboratory Corporation of America, LabCorp
Classification: Likely benign. Last evaluated: 2019-08-29. Review status: criteria provided, single submitter. Criteria: LabCorp Variant Classification Summary - May 2015. Collection method: clinical testing. Allele origin: germline.

Color Diagnostics, LLC DBA Color Health
Classification: Likely benign for Hereditary cancer-predisposing syndrome. Last evaluated: 2017-09-25. Review status: criteria provided, single submitter. Criteria: ACMG Guidelines, 2015. Collection method: clinical testing. Allele origin: germline.

Ambry Genetics
Classification: Likely benign for Hereditary cancer-predisposing syndrome. Last evaluated: 2014-11-05. Review status: criteria provided, single submitter. Criteria: Ambry Variant Classification Scheme 2023. Collection method: clinical testing. Allele origin: germline.

NM_000455.5(STK11):c.90C>T (p.Asp30=)

Gene: STK11 (serine/threonine kinase 11; plus strand). Cytogenetic location: 19p13.3.
Variant type: single nucleotide variant.
Coding change: c.90C>T on transcript NM_000455.5 (MANE Select); coding-DNA position 90, C replaced by T.
Protein change: p.Asp30=; no amino-acid change (aspartic acid 30 retained).
Molecular consequence: synonymous variant.
Genome position (GRCh38, 1-based): chr19:1,207,003, C>T. VCF-style: chr19-1207003-C-T. GRCh37 (hg19) VCF-style: chr19-1207002-C-T.
Identifiers: ClinVar variation 184843 (VCV000184843.22), dbSNP rs771765869, ClinGen allele CA023346.